The following is an entry in ClinVar:

ClinVar aggregate classification (germline): Likely pathogenic. Review status: criteria provided, single submitter (1 of 4 stars). 2 submissions from 2 submitters: Likely pathogenic (1). 1 of the submissions does not count toward it. Last evaluated 2023-05-31.

Conditions:
Hereditary breast ovarian cancer syndrome. Also called: Hereditary breast and ovarian cancer; Hereditary breast and ovarian cancer syndrome (HBOC); Breast and ovarian cancer; Hereditary breast and ovarian cancer syndrome; BRCA1- and BRCA2-Associated Hereditary Breast and Ovarian Cancer; Hereditary breast and/or ovarian cancer syndrome. Identifiers: Orphanet 145, MedGen C0677776, MeSH D061325, MONDO:0003582. Disease mechanism: loss of function.

Submissions (2):

Labcorp Genetics (formerly Invitae), Labcorp
Classification: Likely pathogenic for Hereditary breast ovarian cancer syndrome. Last evaluated: 2023-05-31. Review status: criteria provided, single submitter. Criteria: Invitae Variant Classification Sherloc (09022015). Collection method: clinical testing. Allele origin: germline.
Comment: This sequence change affects an acceptor splice site in intron 22 of the BRCA2 gene. It is expected to disrupt RNA splicing. Variants that disrupt the donor or acceptor splice site typically lead to a loss of protein function (PMID: 16199547), and loss-of-function variants in BRCA2 are known to be pathogenic (PMID: 20104584). This variant is not present in population databases (gnomAD no frequency). Disruption of this splice site has been observed in individual(s) with breast cancer (PMID: 31343793). ClinVar contains an entry for this variant (Variation ID: 632615). Studies have shown that disruption of this splice site alters BRCA2 gene expression (PMID: 31343793). Studies have shown that disruption of this splice site is associated with altered splicing resulting in multiple RNA products (PMID: 31343793; Invitae). In summary, the currently available evidence indicates that the variant is pathogenic, but additional data are needed to prove that conclusively. Therefore, this variant has been classified as Likely Pathogenic.

Hereditary Cancer Genetics group, Vall d'Hebron Institute of Oncology
Classification: Pathogenic for Hereditary breast and ovarian cancer syndrome. Last evaluated: 2019-03-01. Review status: no assertion criteria provided. Collection method: research. Allele origin: germline. Affected: yes. Not counted in ClinVar's aggregate classification.

Literature cited by the submitters: PubMed 16199547 (cited by Labcorp Genetics (formerly Invitae), Labcorp); PubMed 20104584 (cited by Labcorp Genetics (formerly Invitae), Labcorp); PubMed 31343793 (cited by Labcorp Genetics (formerly Invitae), Labcorp); PubMed 30472649 (cited by Hereditary Cancer Genetics group, Vall d'Hebron Institute of Oncology).

NM_000059.4(BRCA2):c.8954-2A>T

Gene: BRCA2 (BRCA2 DNA repair associated; plus strand). Cytogenetic location: 13q13.1.
Variant type: single nucleotide variant.
Coding change: c.8954-2A>T on transcript NM_000059.4 (MANE Select); the canonical splice acceptor site of the intron before coding-DNA position 8954, A replaced by T.
Molecular consequence: splice acceptor variant. On other transcripts: intron variant (1).
Genome position (GRCh38, 1-based): chr13:32,379,748, A>T. VCF-style: chr13-32379748-A-T. GRCh37 (hg19) VCF-style: chr13-32953885-A-T.
Other names: c.8954-53A>T (NM_001406720.1); c.8858-2A>T (NM_001406719.1); c.4022-2A>T (NM_001406721.1); c.2537-2A>T (NM_001406722.1).
Identifiers: ClinVar variation 632615 (VCV000632615.8), dbSNP rs1135401928, ClinGen allele CA387757353.